The following is an entry in ClinVar:

NM_203447.4(DOCK8):c.1285+282T>C

Gene: DOCK8 (dedicator of cytokinesis 8; plus strand). Cytogenetic location: 9p24.3.
Variant type: single nucleotide variant.
Coding change: c.1285+282T>C on transcript NM_203447.4 (MANE Select); 282 bases into the intron after coding-DNA position 1285, T replaced by C.
Molecular consequence: intron variant.
Genome position (GRCh38, 1-based): chr9:334,666, T>C. VCF-style: chr9-334666-T-C. GRCh37 (hg19) VCF-style: chr9-334666-T-C.
Other names: c.1081+282T>C (NM_001193536.2, NM_001190458.2).
Identifiers: ClinVar variation 669668 (VCV000669668.2), dbSNP rs73639053, ClinGen allele CA187759299.

ClinVar aggregate classification (germline): Benign. Review status: criteria provided, multiple submitters, no conflicts (2 of 4 stars). 2 submissions from 2 submitters: Benign (2). Last evaluated 2018-06-16.

Allele frequency attached by ClinVar (database versions not stated): gnomAD 0.03629 and 0.03902; 1000 Genomes Project 0.04014; 1000 Genomes Project 30x 0.04232; TOPMed 0.04257.

Submissions (2):

GeneDx
Classification: Benign. Last evaluated: 2018-06-16. Review status: criteria provided, single submitter. Criteria: GeneDx Variant Classification (06012015). Collection method: clinical testing. Allele origin: germline. Affected: yes.
Comment: This variant is considered likely benign or benign based on one or more of the following criteria: it is a conservative change, it occurs at a poorly conserved position in the protein, it is predicted to be benign by multiple in silico algorithms, and/or has population frequency not consistent with disease.

Breakthrough Genomics
Classification: Benign. Review status: criteria provided, single submitter. Criteria: ACMG Guidelines, 2015. Collection method: not provided. Allele origin: germline. Inheritance: Autosomal recessive inheritance. Affected: yes.